The following is an entry in ClinVar:

ClinVar aggregate classification (germline): Uncertain significance. Review status: criteria provided, multiple submitters, no conflicts (2 of 4 stars). 2 submissions from 2 submitters: Uncertain significance (2). Last evaluated 2023-08-04.

Conditions:
Inborn genetic diseases. Identifiers: MedGen C0950123, MeSH D030342.
Autosomal dominant Parkinson disease 8. Also called: LRRK2-Related Parkinson Disease; Parkinson disease 8; Parkinson disease 8, susceptibility to. Identifiers: Orphanet 411602, MedGen C1846862, MONDO:0011764, OMIM 607060.

Submissions (2):

Ambry Genetics
Classification: Uncertain significance for Inborn genetic diseases. Last evaluated: 2023-08-04. Review status: criteria provided, single submitter. Criteria: Ambry Variant Classification Scheme 2023. Collection method: clinical testing. Allele origin: germline.
Comment: The p.Y1747C variant (also known as c.5240A>G), located in coding exon 36 of the LRRK2 gene, results from an A to G substitution at nucleotide position 5240. The tyrosine at codon 1747 is replaced by cysteine, an amino acid with highly dissimilar properties. This amino acid position is conserved. In addition, this alteration is predicted to be deleterious by in silico analysis. Since supporting evidence is limited at this time, the clinical significance of this alteration remains unclear.

Labcorp Genetics (formerly Invitae), Labcorp
Classification: Uncertain significance for Autosomal dominant Parkinson disease 8. Last evaluated: 2022-02-20. Review status: criteria provided, single submitter. Criteria: Invitae Variant Classification Sherloc (09022015). Collection method: clinical testing. Allele origin: germline.
Comment: In summary, the available evidence is currently insufficient to determine the role of this variant in disease. Therefore, it has been classified as a Variant of Uncertain Significance. Algorithms developed to predict the effect of missense changes on protein structure and function are either unavailable or do not agree on the potential impact of this missense change (SIFT: "Deleterious"; PolyPhen-2: "Probably Damaging"; Align-GVGD: "Class C0"). This variant has not been reported in the literature in individuals affected with LRRK2-related conditions. This variant is not present in population databases (gnomAD no frequency). This sequence change replaces tyrosine, which is neutral and polar, with cysteine, which is neutral and slightly polar, at codon 1747 of the LRRK2 protein (p.Tyr1747Cys).

NM_198578.4(LRRK2):c.5240A>G (p.Tyr1747Cys)

Gene: LRRK2 (leucine rich repeat kinase 2; plus strand). Cytogenetic location: 12q12.
Variant type: single nucleotide variant.
Coding change: c.5240A>G on transcript NM_198578.4 (MANE Select); coding-DNA position 5240, A replaced by G.
Protein change: p.Tyr1747Cys; replaces tyrosine 1747 with cysteine.
Molecular consequence: missense variant.
Genome position (GRCh38, 1-based): chr12:40,322,104, A>G. VCF-style: chr12-40322104-A-G. GRCh37 (hg19) VCF-style: chr12-40715906-A-G.
Other names: c.5240A>G (NM_198578.3); short protein forms Y1747C.
Identifiers: ClinVar variation 2197188 (VCV002197188.6), dbSNP rs1244342805, ClinGen allele CA384420309.
Genomic context (GRCh38, chr12:40,322,104, plus strand): 5'-TTCGCCCAAACAGAATGTATTGGCGACAAGGCATTTACTTAAATTGGTCTCCTGAAGCTT[A>G]TTGTCTGGTAGGATCTGAAGTCTTAGACAATCATCCAGAGAGTTTCTTAAAAATTACAGT-3'
Protein context (NP_940980.4, residues 1737-1757): GIYLNWSPEA[Tyr1747Cys]CLVGSEVLDN